The following is an entry in ClinVar:

NM_001048174.2(MUTYH):c.3G>A (p.Met1Ile)

Gene: MUTYH (mutY DNA glycosylase; minus strand). Cytogenetic location: 1p34.1.
Variant type: single nucleotide variant.
Coding change: c.3G>A on transcript NM_001048174.2 (MANE Select); coding-DNA position 3, G replaced by A.
Protein change: p.Met1Ile; changes the start codon (methionine 1).
Molecular consequence: missense variant, initiator codon variant. On other transcripts: 5 prime UTR variant (4), non-coding transcript variant (2).
Genome position (GRCh38, 1-based): chr1:45,334,503, C>T on the plus strand (G>A on the coding strand, the complement: MUTYH is on the minus strand). VCF-style: chr1-45334503-C-T. GRCh37 (hg19) VCF-style: chr1-45800175-C-T.
Other names: c.3G>A, p.Met1Ile (NM_001048171.2, NM_001048172.2, NM_001048173.2 and 2 more transcripts); c.45G>A, p.Met15Ile (NM_001128425.2, NM_001293190.2, NM_012222.3); c.-210G>A (NM_001293192.2, NM_001293196.2); c.-269G>A (NM_001350650.2); c.-205G>A (NM_001350651.2); short protein forms M15I, M1I.
Identifiers: ClinVar variation 648886 (VCV000648886.8), dbSNP rs1570467004, ClinGen allele CA340137302.

ClinVar aggregate classification (germline): Uncertain significance. Review status: criteria provided, multiple submitters, no conflicts (2 of 4 stars). 2 submissions from 2 submitters: Uncertain significance (2). Last evaluated 2025-05-14.

Conditions:
Familial adenomatous polyposis 2. Also called: COLORECTAL ADENOMATOUS POLYPOSIS, AUTOSOMAL RECESSIVE; ADENOMAS, MULTIPLE COLORECTAL, AUTOSOMAL RECESSIVE; MYH-associated polyposis; MUTYH Polyposis; Adenomas, multiple colorectal; MUTYH-associated polyposis. Identifiers: Orphanet 220460, Orphanet 247798, MedGen C3272841, MONDO:0012041, OMIM 608456.
Hereditary cancer-predisposing syndrome. Also called: Tumor predisposition; Neoplastic Syndromes, Hereditary; Hereditary Cancer Syndrome; Hereditary neoplastic syndrome. Identifiers: Orphanet 140162, MedGen C0027672, MeSH D009386, MONDO:0015356.

Submissions (2):

Ambry Genetics
Classification: Uncertain significance for Hereditary cancer-predisposing syndrome. Last evaluated: 2025-05-14. Review status: criteria provided, single submitter. Criteria: Ambry Variant Classification Scheme 2023. Collection method: clinical testing. Allele origin: germline.
Comment: The p.M15I variant (also known as c.45G>A), located in coding exon 2 of the MUTYH gene, results from a G to A substitution at nucleotide position 45. The methionine at codon 15 is replaced by isoleucine, an amino acid with highly similar properties. This variant has been identified in the homozygous state and/or in conjunction with other MUTYH variant(s) in individual(s) with features consistent with MUTYH-associated polyposis (Ricci MT et al. J Hum Genet, 2017 Feb;62:309-315). This amino acid position is highly conserved in available vertebrate species. In addition, the in silico prediction for this alteration is inconclusive. Based on the available evidence, the clinical significance of this variant remains unclear.

Labcorp Genetics (formerly Invitae), Labcorp
Classification: Uncertain significance for Familial adenomatous polyposis 2. Last evaluated: 2018-07-28. Review status: criteria provided, single submitter. Criteria: Invitae Variant Classification Sherloc (09022015). Collection method: clinical testing. Allele origin: germline.
Comment: This variant is not present in population databases (ExAC no frequency). This sequence change replaces methionine with isoleucine at codon 15 of the MUTYH protein (p.Met15Ile). The methionine residue is highly conserved and there is a small physicochemical difference between methionine and isoleucine. This variant has been observed in an individual affected with¬†colorectal cancer¬†(PMID: 27829682). In summary, the available evidence is currently insufficient to determine the role of this variant in disease. Therefore, it has been classified as a Variant of Uncertain Significance. The¬†p.Met15¬†amino acid residue in MUTYH has been determined to be clinically significant (PMID:¬†24691292). This suggests that variants that disrupt this residue are likely to be causative of disease. Algorithms developed to predict the effect of missense changes on protein structure and function are either unavailable or do not agree on the potential impact of this missense change (SIFT: "Deleterious"; PolyPhen-2: "Benign"; Align-GVGD: "Class C0").

Literature cited by the submitters: PubMed 27829682 (cited by Ambry Genetics and Labcorp Genetics (formerly Invitae), Labcorp).